The following is an entry in ClinVar:

ClinVar aggregate classification (germline): Pathogenic. Review status: criteria provided, single submitter (1 of 4 stars). 2 submissions from 2 submitters: Pathogenic (1). 1 of the submissions does not count toward it. Last evaluated 2024-06-13.

Conditions:
Charcot-Marie-Tooth Neuropathy X. Identifiers: MedGen CN118851.
Charcot-Marie-Tooth disease X-linked dominant 1. Also called: CHARCOT-MARIE-TOOTH NEUROPATHY, X-LINKED, 1; CHARCOT-MARIE-TOOTH PERONEAL MUSCULAR ATROPHY, X-LINKED; HEREDITARY MOTOR AND SENSORY NEUROPATHY, X-LINKED; HMSN, X-LINKED; GJB1 Disorders: Charcot-Marie-Tooth Neuropathy (CMT1X) and Central Nervous System Phenotypes; Charcot-Marie-Tooth Neuropathy X Type 1. Identifiers: Orphanet 101075, MedGen C0393808, MONDO:0010549, OMIM 302800.

Submissions (2):

Labcorp Genetics (formerly Invitae), Labcorp
Classification: Pathogenic for Charcot-Marie-Tooth Neuropathy X. Last evaluated: 2024-06-13. Review status: criteria provided, single submitter. Criteria: Invitae Variant Classification Sherloc (09022015). Collection method: clinical testing. Allele origin: germline.
Comment: This sequence change replaces proline, which is neutral and non-polar, with alanine, which is neutral and non-polar, at codon 87 of the GJB1 protein (p.Pro87Ala). This variant is not present in population databases (gnomAD no frequency). This missense change has been observed in individuals with X-linked Charcot-Marie-Tooth disease (PMID: 8990008, 19062535, 25802885). It has also been observed to segregate with disease in related individuals. ClinVar contains an entry for this variant (Variation ID: 155724). Advanced modeling of protein sequence and biophysical properties (such as structural, functional, and spatial information, amino acid conservation, physicochemical variation, residue mobility, and thermodynamic stability) performed at Invitae indicates that this missense variant is expected to disrupt GJB1 protein function with a positive predictive value of 80%. Experimental studies are conflicting or provide insufficient evidence to determine the effect of this variant on GJB1 function (PMID: 9354338). For these reasons, this variant has been classified as Pathogenic.

Northcott Neuroscience Laboratory, ANZAC Research Institute
Classification: Pathogenic for X-linked hereditary motor and sensory neuropathy. Review status: no assertion criteria provided. Collection method: not provided. Allele origin: germline. Not counted in ClinVar's aggregate classification.
Comment: Family D
ClinVar note: Converted during submission from pathogenic to Pathogenic.

Literature cited by the submitters: PubMed 8990008 (cited by Labcorp Genetics (formerly Invitae), Labcorp); PubMed 19062535 (cited by Labcorp Genetics (formerly Invitae), Labcorp); PubMed 25802885 (cited by Labcorp Genetics (formerly Invitae), Labcorp); PubMed 9354338 (cited by Labcorp Genetics (formerly Invitae), Labcorp).

NM_000166.6(GJB1):c.259C>G (p.Pro87Ala)

Gene: GJB1 (gap junction protein beta 1; plus strand). Cytogenetic location: Xq13.1.
Variant type: single nucleotide variant.
Coding change: c.259C>G on transcript NM_000166.6 (MANE Select); coding-DNA position 259, C replaced by G.
Protein change: p.Pro87Ala; replaces proline 87 with alanine.
Molecular consequence: missense variant.
Genome position (GRCh38, 1-based): chrX:71,223,966, C>G. VCF-style: chrX-71223966-C-G. GRCh37 (hg19) VCF-style: chrX-70443816-C-G.
Other names: c.259C>G, p.Pro87Ala (NM_001097642.3); short protein forms P87A.
Identifiers: ClinVar variation 155724 (VCV000155724.9), dbSNP rs587777877, ClinGen allele CA270640.